The following is an entry in ClinVar:

ClinVar aggregate classification (germline): Uncertain significance (1 of 4 stars; one submission).

Conditions:
Joubert syndrome 18 (JBTS18). Identifiers: Orphanet 2754, MedGen C3553758, MONDO:0013896, OMIM 614815.
Orofacial-digital syndrome IV (OFD4). Also called: Orofaciodigital syndrome IV; BARAITSER-BURN SYNDROME; MOHR-MAJEWSKI SYNDROME; OFD SYNDROME WITH TIBIAL DEFECTS; OFD SYNDROME, BARAITSER-BURN TYPE; OFDS IV. Identifiers: Orphanet 2753, MedGen C0406727, MONDO:0009794, OMIM 258860.

Allele frequency attached by ClinVar (database versions not stated): gnomAD exomes below 0.00001.
gnomAD v4.1: 7 of 1,610,426 alleles (0.00043%); highest among the groups gnomAD compares: Non-Finnish European, 0.00051%; no homozygotes.

Submission:

Labcorp Genetics (formerly Invitae), Labcorp
Classification: Uncertain significance for Joubert syndrome 18; Orofacial-digital syndrome IV. Last evaluated: 2022-06-28. Review status: criteria provided, single submitter. Criteria: Invitae Variant Classification Sherloc (09022015). Collection method: clinical testing. Allele origin: germline.
Comment: Algorithms developed to predict the effect of sequence changes on RNA splicing suggest that this variant may disrupt the consensus splice site. In summary, the available evidence is currently insufficient to determine the role of this variant in disease. Therefore, it has been classified as a Variant of Uncertain Significance. Algorithms developed to predict the effect of missense changes on protein structure and function output the following: SIFT: "Deleterious"; PolyPhen-2: "Benign"; Align-GVGD: "Class C15". The leucine amino acid residue is found in multiple mammalian species, which suggests that this missense change does not adversely affect protein function. This sequence change replaces serine, which is neutral and polar, with leucine, which is neutral and non-polar, at codon 484 of the TCTN3 protein (p.Ser484Leu). This variant is not present in population databases (gnomAD no frequency). This variant has not been reported in the literature in individuals affected with TCTN3-related conditions.

NM_015631.6(TCTN3):c.1451C>T (p.Ser484Leu)

Gene: TCTN3 (tectonic family member 3; minus strand). Cytogenetic location: 10q24.1.
Variant type: single nucleotide variant.
Coding change: c.1451C>T on transcript NM_015631.6 (MANE Select); coding-DNA position 1451, C replaced by T.
Protein change: p.Ser484Leu; replaces serine 484 with leucine.
Molecular consequence: missense variant.
Genome position (GRCh38, 1-based): chr10:95,682,652, G>A on the plus strand (C>T on the coding strand, the complement: TCTN3 is on the minus strand). VCF-style: chr10-95682652-G-A. GRCh37 (hg19) VCF-style: chr10-97442409-G-A.
Other names: c.1007C>T, p.Ser336Leu (NM_001143973.2); short protein forms S484L, S336L.
Identifiers: ClinVar variation 1429835 (VCV001429835.7), dbSNP rs2139736784, ClinGen allele CA377702194.
Genomic context (GRCh38, chr10:95,682,652, plus strand): 5'-CCAAGATTTACAAAGGGGTAAAAATGAGTCTTCATCAGAAAGTATATTTCTCTCCTTACT[G>A]AAATGCTGCAGTGCCTGTTGAGGATCCTGGTCCACCCTCCTTTCTGGGCTGGGTCAGCAT-3'
Protein context (NP_056446.4, residues 474-494): TRILNRHCSI[Ser484Leu]AINCTSCCLI